The following is an entry in ClinVar:

NM_001127701.1(SERPINA1):c.230C>T (p.Ser77Phe)

Gene: SERPINA1 (serpin family A member 1; minus strand). Cytogenetic location: 14q32.13.
Variant type: single nucleotide variant.
Coding change: c.230C>T on transcript NM_001127701.1; coding-DNA position 230, C replaced by T.
Protein change: p.Ser77Phe; replaces serine 77 with phenylalanine.
Molecular consequence: missense variant (on NM_000295.5).
Genome position (GRCh38, 1-based): chr14:94,383,008, G>A on the plus strand (C>T on the coding strand, the complement: SERPINA1 is on the minus strand). VCF-style: chr14-94383008-G-A. GRCh37 (hg19) VCF-style: chr14-94849345-G-A.
Other names: S53F; PI*Siiyama; SERPINA1, SER53PHE; Siiyama; c.230C>T, p.Ser77Phe (NM_000295.5, NM_001002235.3, NM_001002236.3 and 8 more transcripts); short protein forms S77F.
Identifiers: ClinVar variation 17992 (VCV000017992.7), dbSNP rs55819880, ClinGen allele CA127738.

ClinVar aggregate classification (germline): Pathogenic; other. Review status: no assertion criteria provided (0 of 4 stars). 4 submissions from 4 submitters: Pathogenic (2). 1 of the submissions does not count toward it. Last evaluated 2016-07-15.

Conditions:
Alpha-1-antitrypsin deficiency (A1ATD). Also called: AAT deficiency; A1AT deficiency; Alpha1-Antitrypsin Deficiency. Identifiers: Orphanet 60, MedGen C0221757, MONDO:0013282, OMIM 613490.
PI S(IIYAMA).

Allele frequency attached by ClinVar (database versions not stated): gnomAD exomes below 0.00001; TOPMed below 0.00001.
gnomAD v4.1: 2 of 1,610,444 alleles (0.00012%); highest among the groups gnomAD compares: East Asian, 0.0045%; no homozygotes.

Submissions (4):

OMIM
Classification: other for PI S(IIYAMA). Last evaluated: 2016-07-15. Review status: no assertion criteria provided. Collection method: literature only. Allele origin: germline.

Counsyl
Classification: Pathogenic for Alpha-1-antitrypsin deficiency. Last evaluated: 2014-12-18. Review status: no assertion criteria provided. Collection method: literature only. Allele origin: unknown. Inheritance: Autosomal recessive inheritance.

Department of Laboratory Medicine and Genetics, Trillium Health Partners Credit Valley Hospital
Classification: Pathogenic for Alpha-1-antitrypsin deficiency. Last evaluated: 2014-12-08. Review status: no assertion criteria provided. Collection method: curation. Allele origin: germline. Affected: yes.
Comment: Reduced enzyme activity

Rare deficiency allele in cis with c.863A>T

GeneReviews
No classification provided. Condition: Alpha-1-antitrypsin deficiency. Review status: no classification provided. Collection method: literature only. Allele origin: germline. Affected: yes. Not counted in ClinVar's aggregate classification.

Literature cited by the submitters: PubMed 8358043 (cited by 3 submitters); PubMed 2309708 (cited by OMIM); PubMed 8340361 (cited by Counsyl); PubMed 22016686 (cited by Counsyl); PubMed 15486938 (cited by Counsyl); PubMed 8520784 (cited by Counsyl); PubMed 1905728 (cited by Counsyl); NCBI Bookshelf NBK1519 (cited by GeneReviews).